The following is an entry in ClinVar:

ClinVar aggregate classification (germline): Uncertain significance (1 of 4 stars; one submission).

Conditions:
Cardiovascular phenotype. Identifiers: MedGen CN230736.

Submission:

Ambry Genetics
Classification: Uncertain significance for Cardiovascular phenotype. Last evaluated: 2021-07-08. Review status: criteria provided, single submitter. Criteria: Ambry Variant Classification Scheme 2023. Collection method: clinical testing. Allele origin: germline.
Comment: The p.I3374F variant (also known as c.10120A>T), located in coding exon 26 of the APOB gene, results from an A to T substitution at nucleotide position 10120. The isoleucine at codon 3374 is replaced by phenylalanine, an amino acid with highly similar properties. This amino acid position is conserved. In addition, this alteration is predicted to be tolerated by in silico analysis. Since supporting evidence is limited at this time, the clinical significance of this alteration remains unclear.

NM_000384.3(APOB):c.10120A>T (p.Ile3374Phe)

Gene: APOB (apolipoprotein B; minus strand). Cytogenetic location: 2p24.1.
Variant type: single nucleotide variant.
Coding change: c.10120A>T on transcript NM_000384.3 (MANE Select); coding-DNA position 10120, A replaced by T.
Protein change: p.Ile3374Phe; replaces isoleucine 3374 with phenylalanine.
Molecular consequence: missense variant.
Genome position (GRCh38, 1-based): chr2:21,006,748, T>A on the plus strand (A>T on the coding strand, the complement: APOB is on the minus strand). VCF-style: chr2-21006748-T-A. GRCh37 (hg19) VCF-style: chr2-21229620-T-A.
Other names: short protein forms I3374F.
Identifiers: ClinVar variation 1732069 (VCV001732069.2), dbSNP rs2465360746, ClinGen allele CA345987446.